The following is an entry in ClinVar:

ClinVar aggregate classification (germline): Uncertain significance (1 of 4 stars; one submission).

Conditions:
Retinal arterial tortuosity. Also called: RETINAL HEMORRHAGE WITH VASCULAR TORTUOSITY; Retinal arteries, tortuosity of. Identifiers: Orphanet 75326, MedGen C0423401, MONDO:0008373, OMIM 180000, HP:0000631.
Hemorrhage, intracerebral, susceptibility to (ICH). Also called: Stroke, hemorrhagic, susceptibility to. Identifiers: MedGen C3281105, MONDO:0100533, OMIM 614519.
Autosomal dominant familial hematuria-retinal arteriolar tortuosity-contractures syndrome. Also called: Angiopathy, hereditary, with nephropathy, aneurysms, and muscle cramps; Hereditary Angiopathy with Nephropathy, Aneurysms, and Muscle Cramps (HANAC) Syndrome. Identifiers: Orphanet 73229, MedGen C2673195, MONDO:0012726, OMIM 611773.
Microangiopathy and leukoencephalopathy, pontine, autosomal dominant. Also called: Pontine autosomal dominant microangiopathy with leukoencephalopathy; DEMENTIA, HEREDITARY MULTI-INFARCT, SWEDISH TYPE. Identifiers: Orphanet 477749, MedGen C5231411, MONDO:0032814, OMIM 618564.
Brain small vessel disease 1 with or without ocular anomalies (BSVD1). Also called: GOULD SYNDROME 1; PORENCEPHALY, TYPE 1, AUTOSOMAL DOMINANT; Brain small vessel disease with or without ocular anomalies; BRAIN SMALL VESSEL DISEASE WITH HEMORRHAGE. Identifiers: Orphanet 2940, Orphanet 36383, Orphanet 99810, MedGen C4755307, MONDO:0008289, OMIM 175780.

Submission:

Juno Genomics, Hangzhou Juno Genomics, Inc
Classification: Uncertain significance for Retinal arterial tortuosity; Hemorrhage, intracerebral, susceptibility to; Autosomal dominant familial hematuria-retinal arteriolar tortuosity-contractures syndrome; Brain small vessel disease 1 with or without ocular anomalies; Microangiopathy and leukoencephalopathy, pontine, autosomal dominant. Review status: criteria provided, single submitter. Criteria: ACMG Guidelines, 2015. Collection method: clinical testing. Allele origin: germline.
Comment: Absent from controls (or at extremely low frequency if recessive) in Genome Aggregation Database.;Multiple lines of computational evidence support a deleterious effect on the gene or gene product.

NM_001845.6(COL4A1):c.3807A>T (p.Gly1269=)

Gene: COL4A1 (collagen type IV alpha 1 chain; minus strand). Cytogenetic location: 13q34.
Variant type: single nucleotide variant.
Coding change: c.3807A>T on transcript NM_001845.6 (MANE Select); coding-DNA position 3807, A replaced by T.
Protein change: p.Gly1269=; no amino-acid change (glycine 1269 retained).
Molecular consequence: synonymous variant.
Genome position (GRCh38, 1-based): chr13:110,169,698, T>A on the plus strand (A>T on the coding strand, the complement: COL4A1 is on the minus strand). VCF-style: chr13-110169698-T-A. GRCh37 (hg19) VCF-style: chr13-110822045-T-A.
Identifiers: ClinVar variation 5005222 (VCV005005222.2).